The following is an entry in ClinVar:

NM_031407.7(HUWE1):c.9887G>T (p.Cys3296Phe)

Gene: HUWE1 (HECT, UBA and WWE domain containing E3 ubiquitin protein ligase 1; minus strand). Cytogenetic location: Xp11.22.
Variant type: single nucleotide variant.
Coding change: c.9887G>T on transcript NM_031407.7 (MANE Select); coding-DNA position 9887, G replaced by T.
Protein change: p.Cys3296Phe; replaces cysteine 3296 with phenylalanine.
Molecular consequence: missense variant.
Genome position (GRCh38, 1-based): chrX:53,549,107, C>A on the plus strand (G>T on the coding strand, the complement: HUWE1 is on the minus strand). VCF-style: chrX-53549107-C-A. GRCh37 (hg19) VCF-style: chrX-53576068-C-A.
Other names: c.9884G>T, p.Cys3295Phe (NM_001441048.1, NM_001441051.1, NM_001441053.1 and 2 more transcripts); c.9887G>T, p.Cys3296Phe (NM_001441049.1, NM_001441054.1, NM_001441057.1); c.9908G>T, p.Cys3303Phe (NM_001441050.1, NM_001441055.1); c.9485G>T, p.Cys3162Phe (NM_001441052.1); short protein forms C3162F, C3295F, C3296F, C3303F.
Identifiers: ClinVar variation 4801042 (VCV004801042.1).
Genomic context (GRCh38, chrX:53,549,107, plus strand): 5'-GCATGCTTCTCGGTATGTTTACGCCCCCCTGAACGCTGGATCTGAAATATATTAGTCCTG[C>A]AGCCTAGGGCTGCATCCATGGATACTGAGAGCCAGGAAAGCTGGTTGGAGCTCTTTGACT-3'
Protein context (NP_113584.3, residues 3286-3306): LSVSMDAALG[Cys3296Phe]RTNIFQIQRS

ClinVar aggregate classification (germline): Uncertain significance (1 of 4 stars; one submission).

Submission:

Labcorp Genetics (formerly Invitae), Labcorp
Classification: Uncertain significance. Last evaluated: 2025-12-31. Review status: criteria provided, single submitter. Criteria: Invitae Variant Classification Sherloc (09022015). Collection method: clinical testing. Allele origin: germline.
Comment: This sequence change replaces cysteine, which is neutral and slightly polar, with phenylalanine, which is neutral and non-polar, at codon 3296 of the HUWE1 protein (p.Cys3296Phe). This variant is not present in population databases (gnomAD no frequency). This variant has not been reported in the literature in individuals affected with HUWE1-related conditions. Invitae Evidence Modeling of protein sequence and biophysical properties (such as structural, functional, and spatial information, amino acid conservation, physicochemical variation, residue mobility, and thermodynamic stability) indicates that this missense variant is expected to disrupt HUWE1 protein function with a positive predictive value of 95%. In summary, the available evidence is currently insufficient to determine the role of this variant in disease. Therefore, it has been classified as a Variant of Uncertain Significance.